The following is an entry in ClinVar:

ClinVar aggregate classification (germline): Likely benign. Review status: criteria provided, multiple submitters, no conflicts (2 of 4 stars). 2 submissions from 2 submitters: Likely benign (2). Last evaluated 2023-12-15.

Allele frequency attached by ClinVar (database versions not stated): ExAC 0.00004; gnomAD 0.00005; 1000 Genomes Project 30x 0.00016; 1000 Genomes Project 0.00020.
gnomAD v4.1: 113 of 1,614,144 alleles (0.007%); highest among the groups gnomAD compares: African/African-American, 0.012%; no homozygotes.

Submissions (2):

Labcorp Genetics (formerly Invitae), Labcorp
Classification: Likely benign. Last evaluated: 2023-12-15. Review status: criteria provided, single submitter. Criteria: Invitae Variant Classification Sherloc (09022015). Collection method: clinical testing. Allele origin: germline.

CeGaT Center for Human Genetics Tuebingen
Classification: Likely benign. Last evaluated: 2022-06-01. Review status: criteria provided, single submitter. Criteria: CeGaT Center For Human Genetics Tuebingen Variant Classification Criteria Version 2. Collection method: clinical testing. Allele origin: germline. Affected: yes. Observed: 1 variant allele.
Comment: VAC14: BP4, BP7

NM_018052.5(VAC14):c.1356G>A (p.Ser452=)

Genes: VAC14-AS1 (VAC14 antisense RNA 1; plus strand), VAC14 (VAC14 component of PIKFYVE complex; minus strand). Cytogenetic location: 16q22.1.
Variant type: single nucleotide variant.
Coding change: c.1356G>A on transcript NM_018052.5 (MANE Select); coding-DNA position 1356, G replaced by A.
Protein change: p.Ser452=; no amino-acid change (serine 452 retained).
Molecular consequence: synonymous variant.
Genome position (GRCh38, 1-based): chr16:70,762,555, C>T on the plus strand (G>A on the coding strand, the complement: VAC14 is on the minus strand). VCF-style: chr16-70762555-C-T. GRCh37 (hg19) VCF-style: chr16-70796458-C-T.
Other names: c.654G>A, p.Ser218= (NM_001351157.2).
Identifiers: ClinVar variation 2190296 (VCV002190296.28), dbSNP rs184203833, ClinGen allele CA8147704.